The following is an entry in ClinVar:

ClinVar aggregate classification (germline): Pathogenic. Review status: criteria provided, multiple submitters, no conflicts (2 of 4 stars). 2 submissions from 2 submitters: Pathogenic (2). Last evaluated 2023-10-02.

Conditions:
Ehlers-Danlos syndrome, type 4 (EDSVASC). Also called: Ehlers-Danlos syndrome vascular type; Ehlers Danlos syndrome, ecchymotic type; Ehlers Danlos syndrome, arterial type; Ehlers Danlos syndrome, Sack-Barabas type; Ehlers-Danlos Syndrome Type IV. Identifiers: Orphanet 286, MedGen C0268338, MONDO:0017314, OMIM 130050.

Submissions (2):

Mayo Clinic Laboratories, Mayo Clinic
Classification: Pathogenic. Last evaluated: 2023-10-02. Review status: criteria provided, single submitter. Criteria: ACMG Guidelines, 2015. Collection method: clinical testing. Allele origin: germline. Observed: 1 variant allele.
Comment: PP2, PP3, PP4, PM1_strong, PM2, PM5, PS4_moderate

Labcorp Genetics (formerly Invitae), Labcorp
Classification: Pathogenic for Ehlers-Danlos syndrome, type 4. Last evaluated: 2019-06-05. Review status: criteria provided, single submitter. Criteria: Invitae Variant Classification Sherloc (09022015). Collection method: clinical testing. Allele origin: germline.
Comment: This sequence change replaces glycine with serine at codon 276 of the COL3A1 protein (p.Gly276Ser). The glycine residue is highly conserved and there is a small physicochemical difference between glycine and serine. This variant is not present in population databases (ExAC no frequency). This variant has been observed in individuals affected with vascular Ehlers-Danlos syndrome (PMID: 25758994). Glycine residues within the Gly-Xaa-Yaa repeats of the triple helix domain are required for the structure and stability of fibrillar collagens (PMID: 7695699, 8218237, 19344236). In COL3A1, missense variants at these glycine residues are significantly enriched in individuals with disease (PMID: 24922459, 25758994) compared to the general population (ExAC). For these reasons, this variant has been classified as Pathogenic.

Literature cited by the submitters: PubMed 24922459 (cited by Mayo Clinic Laboratories, Mayo Clinic and Labcorp Genetics (formerly Invitae), Labcorp); PubMed 25758994 (cited by Mayo Clinic Laboratories, Mayo Clinic and Labcorp Genetics (formerly Invitae), Labcorp); PubMed 29940997 (cited by Mayo Clinic Laboratories, Mayo Clinic); PubMed 30474650 (cited by Mayo Clinic Laboratories, Mayo Clinic); PubMed 7695699 (cited by Labcorp Genetics (formerly Invitae), Labcorp); PubMed 19344236 (cited by Labcorp Genetics (formerly Invitae), Labcorp); PubMed 8218237 (cited by Labcorp Genetics (formerly Invitae), Labcorp).

NM_000090.4(COL3A1):c.826G>A (p.Gly276Ser)

Gene: COL3A1 (collagen type III alpha 1 chain; plus strand). Cytogenetic location: 2q32.2.
Variant type: single nucleotide variant.
Coding change: c.826G>A on transcript NM_000090.4 (MANE Select); coding-DNA position 826, G replaced by A.
Protein change: p.Gly276Ser; replaces glycine 276 with serine.
Molecular consequence: missense variant.
Genome position (GRCh38, 1-based): chr2:188,991,031, G>A. VCF-style: chr2-188991031-G-A. GRCh37 (hg19) VCF-style: chr2-189855757-G-A.
Other names: p.Gly276Ser; short protein forms G276S.
Identifiers: ClinVar variation 659067 (VCV000659067.3), dbSNP rs1576463632, ClinGen allele CA349849799.